The following is an entry in ClinVar:

ClinVar aggregate classification (germline): Uncertain significance. Review status: criteria provided, multiple submitters, no conflicts (2 of 4 stars). 2 submissions from 2 submitters: Uncertain significance (2). Last evaluated 2026-04-15.

Conditions:
STX16-related disorder. Also called: STX16-related condition.
Inborn genetic diseases. Identifiers: MedGen C0950123, MeSH D030342.

gnomAD v4.1: 17 of 1,613,704 alleles (0.0011%); highest among the groups gnomAD compares: Admixed American, 0.0017%; no homozygotes.

Submissions (2):

PreventionGenetics, part of Exact Sciences
Classification: Uncertain significance for STX16-related condition. Last evaluated: 2026-04-15. Review status: criteria provided, single submitter. Criteria: ACMG Guidelines, 2015. Collection method: clinical testing. Allele origin: germline.
Comment: The STX16 c.881A>T variant is predicted to result in the amino acid substitution p.Gln294Leu. To our knowledge, this variant has not been reported in the literature. This variant is reported in 0.0053% of alleles in individuals of European (Non-Finnish) descent in gnomAD. At this time, the clinical significance of this variant is uncertain due to the absence of conclusive functional and genetic evidence.

Ambry Genetics
Classification: Uncertain significance for Inborn genetic diseases. Last evaluated: 2025-02-14. Review status: criteria provided, single submitter. Criteria: Ambry Variant Classification Scheme 2023. Collection method: clinical testing. Allele origin: germline.

NM_001001433.3(STX16):c.881A>T (p.Gln294Leu)

Genes: STX16 (syntaxin 16; plus strand), STX16-NPEPL1 (STX16-NPEPL1 readthrough (NMD candidate); plus strand). Cytogenetic location: 20q13.32.
Variant type: single nucleotide variant.
Coding change: c.881A>T on transcript NM_001001433.3 (MANE Select); coding-DNA position 881, A replaced by T.
Protein change: p.Gln294Leu; replaces glutamine 294 with leucine.
Molecular consequence: missense variant. On other transcripts: non-coding transcript variant (3).
Genome position (GRCh38, 1-based): chr20:58,676,194, A>T. VCF-style: chr20-58676194-A-T. GRCh37 (hg19) VCF-style: chr20-57251250-A-T.
Other names: c.869A>T, p.Gln290Leu (NM_001134772.3); c.830A>T, p.Gln277Leu (NM_001134773.3); c.722A>T, p.Gln241Leu (NM_001204868.2); c.818A>T, p.Gln273Leu (NM_003763.6); short protein forms Q241L, Q290L, Q273L, Q277L, Q294L.
Identifiers: ClinVar variation 3802732 (VCV003802732.2).